The following is an entry in ClinVar:

NM_004168.4(SDHA):c.1551+5G>C

Gene: SDHA (succinate dehydrogenase complex flavoprotein subunit A; plus strand). Cytogenetic location: 5p15.33.
Variant type: single nucleotide variant.
Coding change: c.1551+5G>C on transcript NM_004168.4 (MANE Select); 5 bases into the intron after coding-DNA position 1551, G replaced by C.
Molecular consequence: intron variant.
Genome position (GRCh38, 1-based): chr5:240,481, G>C. VCF-style: chr5-240481-G-C. GRCh37 (hg19) VCF-style: chr5-240596-G-C.
Other names: c.1551+5G>C (NM_001330758.2, NM_004168.2); c.1407+5G>C (NM_001294332.2).
Identifiers: ClinVar variation 1392795 (VCV001392795.7), dbSNP rs2126603143, ClinGen allele CA2573139544.

ClinVar aggregate classification (germline): Uncertain significance. Review status: criteria provided, multiple submitters, no conflicts (2 of 4 stars). 2 submissions from 2 submitters: Uncertain significance (2). Last evaluated 2026-03-27.

Conditions:
Hereditary cancer-predisposing syndrome. Also called: Tumor predisposition; Hereditary Cancer Syndrome; Hereditary neoplastic syndrome; Neoplastic Syndromes, Hereditary. Identifiers: Orphanet 140162, MedGen C0027672, MeSH D009386, MONDO:0015356.
Mitochondrial complex II deficiency, nuclear type 1. Also called: SUCCINATE CoQ REDUCTASE DEFICIENCY. Identifiers: Orphanet 3208, MedGen C5700310, MONDO:0100294, OMIM 252011.
Pheochromocytoma/paraganglioma syndrome 5. Also called: Paragangliomas 5; SDHA-Related Hereditary Paraganglioma-Pheochromocytoma Syndrome. Identifiers: Orphanet 29072, MedGen C3279992, MONDO:0013602, OMIM 614165.

Allele frequency attached by ClinVar (database versions not stated): gnomAD exomes below 0.00001.

Submissions (2):

Ambry Genetics
Classification: Uncertain significance for Hereditary cancer-predisposing syndrome. Last evaluated: 2026-03-27. Review status: criteria provided, single submitter. Criteria: Ambry Variant Classification Scheme 2023. Collection method: clinical testing. Allele origin: germline.
Comment: The c.1551+5G>C intronic variant results from a G to C substitution 5 nucleotides after coding exon 11 in the SDHA gene. This nucleotide position is well conserved in available vertebrate species. In silico splice site analysis predicts that this alteration will not have any significant effect on splicing. Based on the available evidence, the clinical significance of this variant remains unclear.

Labcorp Genetics (formerly Invitae), Labcorp
Classification: Uncertain significance for Pheochromocytoma/paraganglioma syndrome 5; Mitochondrial complex II deficiency, nuclear type 1. Last evaluated: 2021-02-12. Review status: criteria provided, single submitter. Criteria: Invitae Variant Classification Sherloc (09022015). Collection method: clinical testing. Allele origin: germline.
Comment: In summary, the available evidence is currently insufficient to determine the role of this variant in disease. Therefore, it has been classified as a Variant of Uncertain Significance. This sequence change falls in intron 11 of the SDHA gene. It does not directly change the encoded amino acid sequence of the SDHA protein. It affects a nucleotide within the consensus splice site of the intron. This variant is not present in population databases (ExAC no frequency). This variant has not been reported in the literature in individuals with SDHA-related conditions. Nucleotide substitutions within the consensus splice site are a relatively common cause of aberrant splicing (PMID: 17576681, 9536098). Algorithms developed to predict the effect of sequence changes on RNA splicing suggest that this variant may disrupt the consensus splice site, but this prediction has not been confirmed by published transcriptional studies.

Literature cited by the submitters: PubMed 17576681 (cited by Labcorp Genetics (formerly Invitae), Labcorp); PubMed 9536098 (cited by Labcorp Genetics (formerly Invitae), Labcorp).